The following is an entry in ClinVar:

ClinVar aggregate classification (germline): Uncertain significance. Review status: criteria provided, multiple submitters, no conflicts (2 of 4 stars). 2 submissions from 2 submitters: Uncertain significance (2). Last evaluated 2024-10-07.

Conditions:
Multiple sulfatase deficiency (MSD). Also called: Mucosulfatidosis; Sulfatidosis, Juvenile, Austin Type; Multiple Sulfatase Deficiency Disease. Identifiers: Orphanet 585, MedGen C0268263, MONDO:0010088, OMIM 272200.

Allele frequency attached by ClinVar (database versions not stated): gnomAD 0.00004.

Submissions (2):

Blueprint Genetics
Classification: Uncertain significance. Last evaluated: 2024-10-07. Review status: criteria provided, single submitter. Criteria: ACMG Guidelines, 2015. Collection method: clinical testing. Allele origin: germline.

Labcorp Genetics (formerly Invitae), Labcorp
Classification: Uncertain significance for Multiple sulfatase deficiency. Last evaluated: 2022-08-20. Review status: criteria provided, single submitter. Criteria: Invitae Variant Classification Sherloc (09022015). Collection method: clinical testing. Allele origin: germline.
Comment: This sequence change replaces methionine, which is neutral and non-polar, with leucine, which is neutral and non-polar, at codon 126 of the SUMF1 protein (p.Met126Leu). This variant is present in population databases (rs144327900, gnomAD 0.008%). This variant has not been reported in the literature in individuals affected with SUMF1-related conditions. ClinVar contains an entry for this variant (Variation ID: 1364703). Algorithms developed to predict the effect of missense changes on protein structure and function (SIFT, PolyPhen-2, Align-GVGD) all suggest that this variant is likely to be tolerated. In summary, the available evidence is currently insufficient to determine the role of this variant in disease. Therefore, it has been classified as a Variant of Uncertain Significance.

NM_182760.4(SUMF1):c.376A>C (p.Met126Leu)

Gene: SUMF1 (sulfatase modifying factor 1; minus strand). Cytogenetic location: 3p26.1.
Variant type: single nucleotide variant.
Coding change: c.376A>C on transcript NM_182760.4 (MANE Select); coding-DNA position 376, A replaced by C.
Protein change: p.Met126Leu; replaces methionine 126 with leucine.
Molecular consequence: missense variant.
Genome position (GRCh38, 1-based): chr3:4,452,944, T>G on the plus strand (A>C on the coding strand, the complement: SUMF1 is on the minus strand). VCF-style: chr3-4452944-T-G. GRCh37 (hg19) VCF-style: chr3-4494628-T-G.
Other names: c.376A>C, p.Met126Leu (NM_001164674.2, NM_001164675.2); short protein forms M126L.
Identifiers: ClinVar variation 1364703 (VCV001364703.4), dbSNP rs144327900, ClinGen allele CA2230625.